The following is an entry in ClinVar:

ClinVar aggregate classification (germline): Uncertain significance (1 of 4 stars; one submission).

Conditions:
Congenital contractural arachnodactyly (CCA). Also called: BEALS SYNDROME; Beals-Hecht syndrome; Arthrogryposis, distal, type 9. Identifiers: Orphanet 115, MedGen C0220668, MONDO:0007363, OMIM 121050.

gnomAD v4.1: 2 of 1,614,100 alleles (0.00012%); highest among the groups gnomAD compares: Non-Finnish European, 0.00017%; no homozygotes.

Submission:

Labcorp Genetics (formerly Invitae), Labcorp
Classification: Uncertain significance for Congenital contractural arachnodactyly. Last evaluated: 2025-11-25. Review status: criteria provided, single submitter. Criteria: Invitae Variant Classification Sherloc (09022015). Collection method: clinical testing. Allele origin: germline.
Comment: This sequence change replaces proline, which is neutral and non-polar, with serine, which is neutral and polar, at codon 402 of the FBN2 protein (p.Pro402Ser). This variant is not present in population databases (gnomAD no frequency). This variant has not been reported in the literature in individuals affected with FBN2-related conditions. Invitae Evidence Modeling of protein sequence and biophysical properties (such as structural, functional, and spatial information, amino acid conservation, physicochemical variation, residue mobility, and thermodynamic stability) indicates that this missense variant is expected to disrupt FBN2 protein function with a positive predictive value of 80%. In summary, the available evidence is currently insufficient to determine the role of this variant in disease. Therefore, it has been classified as a Variant of Uncertain Significance.

NM_001999.4(FBN2):c.1204C>T (p.Pro402Ser)

Gene: FBN2 (fibrillin 2; minus strand). Cytogenetic location: 5q23.3.
Variant type: single nucleotide variant.
Coding change: c.1204C>T on transcript NM_001999.4 (MANE Select); coding-DNA position 1204, C replaced by T.
Protein change: p.Pro402Ser; replaces proline 402 with serine.
Molecular consequence: missense variant.
Genome position (GRCh38, 1-based): chr5:128,395,149, G>A on the plus strand (C>T on the coding strand, the complement: FBN2 is on the minus strand). VCF-style: chr5-128395149-G-A. GRCh37 (hg19) VCF-style: chr5-127730842-G-A.
Other names: short protein forms P402S.
Identifiers: ClinVar variation 4803723 (VCV004803723.1).
Genomic context (GRCh38, chr5:128,395,149, plus strand): 5'-CTGTGCTGAGGAGACTAACAGCCAGCCACGTACCAGAACCTCTGACAGGACAGGCTTCAG[G>A]AATGGTTCCGATGCCCCAGCAGCGGCCAGGCTCACAGCAGCACTGCATTTTCGTCATTCT-3'
Protein context (NP_001990.2, residues 392-412): PGRCWGIGTI[Pro402Ser]EACPVRGSEE